The following is an entry in ClinVar:

NM_018993.4(RIN2):c.338C>T (p.Ala113Val)

Gene: RIN2 (Ras and Rab interactor 2; plus strand). Cytogenetic location: 20p11.23.
Variant type: single nucleotide variant.
Coding change: c.338C>T on transcript NM_018993.4 (MANE Select); coding-DNA position 338, C replaced by T.
Protein change: p.Ala113Val; replaces alanine 113 with valine.
Molecular consequence: missense variant. On other transcripts: 5 prime UTR variant (1).
Genome position (GRCh38, 1-based): chr20:19,956,794, C>T. VCF-style: chr20-19956794-C-T. GRCh37 (hg19) VCF-style: chr20-19937438-C-T.
Other names: c.485C>T, p.Ala162Val (NM_001242581.2); c.-208C>T (NM_001378238.1); short protein forms A113V, A162V.
Identifiers: ClinVar variation 1713580 (VCV001713580.5), dbSNP rs1131691814, ClinGen allele CA408356886.
Genomic context (GRCh38, chr20:19,956,794, plus strand): 5'-CCCACCCCATATGGCTGCAGCTGAGTCTGAGTGAGGAGGAGGCAGCAGAGGTCCTGCAGG[C>T]CCAGCCTCCGGGGGTAAGACTCAGAACCTCGGGAAGCAGGTTGAAGCAGGCAGGACTGCT-3'
Protein context (NP_061866.1, residues 103-123): SEEEAAEVLQ[Ala113Val]QPPGIFLVHK

ClinVar aggregate classification (germline): Uncertain significance (1 of 4 stars; one submission).

Allele frequency attached by ClinVar (database versions not stated): gnomAD 0.00001.
gnomAD v4.1: 2 of 1,586,178 alleles (0.00013%); highest among the groups gnomAD compares: Middle Eastern, 0.017%; no homozygotes.

Submission:

Labcorp Genetics (formerly Invitae), Labcorp
Classification: Uncertain significance. Last evaluated: 2024-02-24. Review status: criteria provided, single submitter. Criteria: Invitae Variant Classification Sherloc (09022015). Collection method: clinical testing. Allele origin: germline.
Comment: This sequence change replaces alanine, which is neutral and non-polar, with valine, which is neutral and non-polar, at codon 113 of the RIN2 protein (p.Ala113Val). This variant is not present in population databases (gnomAD no frequency). This variant has not been reported in the literature in individuals affected with RIN2-related conditions. ClinVar contains an entry for this variant (Variation ID: 1713580). Experimental studies and prediction algorithms are not available or were not evaluated, and the functional significance of this variant is currently unknown. In summary, the available evidence is currently insufficient to determine the role of this variant in disease. Therefore, it has been classified as a Variant of Uncertain Significance.